The following is an entry in ClinVar:

ClinVar aggregate classification (germline): Uncertain significance (1 of 4 stars; one submission).

Allele frequency attached by ClinVar (database versions not stated): ExAC 0.00001; gnomAD exomes 0.00001.
gnomAD v4.1: 5 of 1,614,150 alleles (0.00031%); highest among the groups gnomAD compares: Admixed American, 0.0067%; no homozygotes.

Submission:

Labcorp Genetics (formerly Invitae), Labcorp
Classification: Uncertain significance. Last evaluated: 2024-02-24. Review status: criteria provided, single submitter. Criteria: Invitae Variant Classification Sherloc (09022015). Collection method: clinical testing. Allele origin: germline.
Comment: This sequence change falls in intron 6 of the TAOK2 gene. It does not directly change the encoded amino acid sequence of the TAOK2 protein. It affects a nucleotide within the consensus splice site. This variant is present in population databases (rs759338845, gnomAD 0.009%). This variant has not been reported in the literature in individuals affected with TAOK2-related conditions. ClinVar contains an entry for this variant (Variation ID: 1348057). Variants that disrupt the consensus splice site are a relatively common cause of aberrant splicing (PMID: 17576681, 9536098). Algorithms developed to predict the effect of sequence changes on RNA splicing suggest that this variant is not likely to affect RNA splicing. In summary, the available evidence is currently insufficient to determine the role of this variant in disease. Therefore, it has been classified as a Variant of Uncertain Significance.

Literature cited by the submitters: PubMed 17576681; PubMed 9536098.

NM_016151.4(TAOK2):c.449+4C>A

Gene: TAOK2 (TAO kinase 2; plus strand). Cytogenetic location: 16p11.2.
Variant type: single nucleotide variant.
Coding change: c.449+4C>A on transcript NM_016151.4 (MANE Select); 4 bases into the intron after coding-DNA position 449, C replaced by A.
Molecular consequence: intron variant.
Genome position (GRCh38, 1-based): chr16:29,979,074, C>A. VCF-style: chr16-29979074-C-A. GRCh37 (hg19) VCF-style: chr16-29990395-C-A.
Other names: c.449+4C>A (NM_004783.4, NM_001252043.2).
Identifiers: ClinVar variation 1348057 (VCV001348057.6), dbSNP rs759338845, ClinGen allele CA7997809.
Genomic context (GRCh38, chr16:29,979,074, plus strand): 5'-GACCCACGGGGCGCTTCAGGGCCTGGCATATCTGCACTCCCACAACATGATCCATAGGTA[C>A]AAGCAGCACCGGCAGTGCCTGGGAGGGGAGTGCTATCTGCACCACCTGTCACTTAGCTGG-3'